The following is an entry in ClinVar:

NM_000179.3(MSH6):c.196C>G (p.Pro66Ala)

Gene: MSH6 (mutS homolog 6; plus strand). Cytogenetic location: 2p16.3.
Variant type: single nucleotide variant.
Coding change: c.196C>G on transcript NM_000179.3 (MANE Select); coding-DNA position 196, C replaced by G.
Protein change: p.Pro66Ala; replaces proline 66 with alanine.
Molecular consequence: missense variant. On other transcripts: 5 prime UTR variant (1).
Genome position (GRCh38, 1-based): chr2:47,783,429, C>G. VCF-style: chr2-47783429-C-G. GRCh37 (hg19) VCF-style: chr2-48010568-C-G.
Other names: c.196C>G, p.Pro66Ala (NM_001281492.2); c.-541C>G (NM_001281493.2); short protein forms P66A.
Identifiers: ClinVar variation 820429 (VCV000820429.7), dbSNP rs1572698406, ClinGen allele CA346735033.

ClinVar aggregate classification (germline): Conflicting classifications of pathogenicity. Review status: criteria provided, conflicting classifications (1 of 4 stars). 2 submissions from 2 submitters: Uncertain significance (1); Likely benign (1). Last evaluated 2025-05-16.

Conditions:
Hereditary nonpolyposis colorectal neoplasms. Identifiers: MedGen C0009405, MeSH D003123.
Hereditary cancer-predisposing syndrome. Also called: Neoplastic Syndromes, Hereditary; Tumor predisposition; Hereditary Cancer Syndrome; Hereditary neoplastic syndrome. Identifiers: Orphanet 140162, MedGen C0027672, MeSH D009386, MONDO:0015356.

Submissions (2):

Ambry Genetics
Classification: Likely benign for Hereditary cancer-predisposing syndrome. Last evaluated: 2025-05-16. Review status: criteria provided, single submitter. Criteria: Ambry Variant Classification Scheme 2023. Collection method: clinical testing. Allele origin: germline.

Labcorp Genetics (formerly Invitae), Labcorp
Classification: Uncertain significance for Hereditary nonpolyposis colorectal neoplasms. Last evaluated: 2023-10-07. Review status: criteria provided, single submitter. Criteria: Invitae Variant Classification Sherloc (09022015). Collection method: clinical testing. Allele origin: germline.
Comment: This sequence change replaces proline, which is neutral and non-polar, with alanine, which is neutral and non-polar, at codon 66 of the MSH6 protein (p.Pro66Ala). This variant is not present in population databases (gnomAD no frequency). This variant has not been reported in the literature in individuals affected with MSH6-related conditions. ClinVar contains an entry for this variant (Variation ID: 820429). Advanced modeling of protein sequence and biophysical properties (such as structural, functional, and spatial information, amino acid conservation, physicochemical variation, residue mobility, and thermodynamic stability) performed at Invitae indicates that this missense variant is not expected to disrupt MSH6 protein function. In summary, the available evidence is currently insufficient to determine the role of this variant in disease. Therefore, it has been classified as a Variant of Uncertain Significance.